The following is an entry in ClinVar:

ClinVar aggregate classification (germline): Conflicting classifications of pathogenicity. Review status: criteria provided, conflicting classifications (1 of 4 stars). 5 submissions from 5 submitters: Uncertain significance (3); Benign (1). 1 of the submissions does not count toward it. Last evaluated 2026-01-04.

Conditions:
Primary ciliary dyskinesia. Also called: Ciliary dyskinesia. Identifiers: Orphanet 244, MedGen C0008780, MONDO:0016575, HP:0012265.
Primary ciliary dyskinesia 3. Identifiers: Orphanet 244, MedGen C1837618, MONDO:0012085, OMIM 608644.

Allele frequency attached by ClinVar (database versions not stated): gnomAD 0.00006 and 0.00007; TOPMed 0.00006; gnomAD exomes 0.00007; ExAC 0.00010; ESP Exome Variant Server 0.00015.
gnomAD v4.1: 128 of 1,613,878 alleles (0.0079%); highest among the groups gnomAD compares: South Asian, 0.053%; no homozygotes.

Submissions (5):

Labcorp Genetics (formerly Invitae), Labcorp
Classification: Benign for Primary ciliary dyskinesia. Last evaluated: 2026-01-04. Review status: criteria provided, single submitter. Criteria: Invitae Variant Classification Sherloc (09022015). Collection method: clinical testing. Allele origin: germline.

CeGaT Center for Human Genetics Tuebingen
Classification: Uncertain significance. Last evaluated: 2023-09-01. Review status: criteria provided, single submitter. Criteria: CeGaT Center For Human Genetics Tuebingen Variant Classification Criteria Version 2. Collection method: clinical testing. Allele origin: germline. Affected: yes. Observed: 1 variant allele.
Comment: DNAH5: PM2

Illumina Laboratory Services, Illumina
Classification: Uncertain significance for Primary ciliary dyskinesia 3. Last evaluated: 2018-01-13. Review status: criteria provided, single submitter. Criteria: ICSL Variant Classification Criteria 13 December 2019. Collection method: clinical testing. Allele origin: germline.

Ambry Genetics
Classification: Uncertain significance for Primary ciliary dyskinesia. Last evaluated: 2015-08-26. Review status: criteria provided, single submitter. Criteria: Ambry Variant Classification Scheme 2023. Collection method: clinical testing. Allele origin: germline.
Comment: The p.T4483M variant (also known as c.13448C>T), located in coding exon 77 of the DNAH5 gene, results from a C to T substitution at nucleotide position 13448. The threonine at codon 4483 is replaced by methionine, an amino acid with similar properties. This variant was previously reported in the SNPDatabase as rs141828476. Based on data from the NHLBI Exome Sequencing Project (ESP), the T allele has an overall frequency of approximately 0.02% (2/13006) total alleles studied, having been observed in 0.05% (2/4406) African American alleles. This amino acid position is highly conserved in available vertebrate species. In addition, the in silico prediction for this alteration is inconclusive. Since supporting evidence is limited at this time, the clinical significance of this variant remains unclear.

Natera, Inc.
Classification: Uncertain significance for Primary ciliary dyskinesia. Last evaluated: 2019-10-28. Review status: no assertion criteria provided. Collection method: clinical testing. Allele origin: germline. Not counted in ClinVar's aggregate classification.

NM_001369.3(DNAH5):c.13448C>T (p.Thr4483Met)

Gene: DNAH5 (dynein axonemal heavy chain 5; minus strand). Cytogenetic location: 5p15.2.
Variant type: single nucleotide variant.
Coding change: c.13448C>T on transcript NM_001369.3 (MANE Select); coding-DNA position 13448, C replaced by T.
Protein change: p.Thr4483Met; replaces threonine 4483 with methionine.
Molecular consequence: missense variant.
Genome position (GRCh38, 1-based): chr5:13,701,327, G>A on the plus strand (C>T on the coding strand, the complement: DNAH5 is on the minus strand). VCF-style: chr5-13701327-G-A. GRCh37 (hg19) VCF-style: chr5-13701436-G-A.
Other names: short protein forms T4483M.
Identifiers: ClinVar variation 454744 (VCV000454744.39), dbSNP rs141828476, ClinGen allele CA3201364.